The following is an entry in ClinVar:

NM_000152.5(GAA):c.-33+757G>A

Gene: GAA (alpha glucosidase; plus strand). Cytogenetic location: 17q25.3.
Variant type: single nucleotide variant.
Coding change: c.-33+757G>A on transcript NM_000152.5 (MANE Select); 757 bases into the intron after 33 bases upstream of the start codon, G replaced by A.
Molecular consequence: intron variant. On other transcripts: non-coding transcript variant (1).
Genome position (GRCh38, 1-based): chr17:80,102,647, G>A. VCF-style: chr17-80102647-G-A. GRCh37 (hg19) VCF-style: chr17-78076446-G-A.
Other names: c.-33+757G>A (NM_001406741.1, NM_001079803.3); c.-33+722G>A (NM_001406742.1); c.-33+1022G>A (NM_001079804.3).
Identifiers: ClinVar variation 4876462 (VCV004876462.1).
Genomic context (GRCh38, chr17:80,102,647, plus strand): 5'-CGGGTTGTGGAACACACCAAGGCACTGGAGGGTGGTGCGAGCAGAGAGCACAGCATCACT[G>A]CCCCCACCTCACACCAGGCCCTACGCATCTCTTCCATACGGCTGTCTGAGTTTTATCCTT-3'

ClinVar aggregate classification (germline): Benign (1 of 4 stars; one submission).

Conditions:
Glycogen storage disease, type II (IOPD). Also called: Pompe Disease; CARDIOMEGALIA GLYCOGENICA DIFFUSA; GLYCOGENOSIS, GENERALIZED, CARDIAC FORM; GSD II; POMPE DISEASE, INFANTILE-ONSET; GLYCOGEN STORAGE DISEASE II, INFANTILE-ONSET. Identifiers: Orphanet 365, MedGen C0017921, MONDO:0009290, OMIM 232300.

gnomAD v4.1: 8,829 of 152,240 alleles (5.8%); highest among the groups gnomAD compares: South Asian, 15%; 505 homozygotes.

Submission:

Genomenon, Inc
Classification: Benign for Glycogen storage disease, type II. Last evaluated: 2026-07-01. Review status: criteria provided, single submitter. Criteria: Genomenon Sequence Variant Interpretation Standards - Updated. Collection method: curation. Allele origin: germline. Affected: no.
Comment: GAA c.-33+757G>A is an intronic variant located in the 5′ untranslated region (5′ UTR). This variant is present at high allele frequency in population databases. We classify GAA c.-33+757G>A as a benign variant.